The following is an entry in ClinVar:

ClinVar aggregate classification (germline): Uncertain significance (1 of 4 stars; one submission).

Allele frequency attached by ClinVar (database versions not stated): TOPMed below 0.00001; ExAC 0.00002.
gnomAD v4.1: 5 of 1,613,656 alleles (0.00031%); highest among the groups gnomAD compares: African/African-American, 0.0013%; no homozygotes.

Submission:

Labcorp Genetics (formerly Invitae), Labcorp
Classification: Uncertain significance. Last evaluated: 2025-01-28. Review status: criteria provided, single submitter. Criteria: Invitae Variant Classification Sherloc (09022015). Collection method: clinical testing. Allele origin: germline.
Comment: This sequence change replaces arginine, which is basic and polar, with histidine, which is basic and polar, at codon 73 of the COL11A2 protein (p.Arg73His). This variant is present in population databases (rs780662619, gnomAD 0.007%). This variant has not been reported in the literature in individuals affected with COL11A2-related conditions. ClinVar contains an entry for this variant (Variation ID: 2165070). Invitae Evidence Modeling of protein sequence and biophysical properties (such as structural, functional, and spatial information, amino acid conservation, physicochemical variation, residue mobility, and thermodynamic stability) indicates that this missense variant is not expected to disrupt COL11A2 protein function with a negative predictive value of 95%. In summary, the available evidence is currently insufficient to determine the role of this variant in disease. Therefore, it has been classified as a Variant of Uncertain Significance.

NM_080680.3(COL11A2):c.218G>A (p.Arg73His)

Gene: COL11A2 (collagen type XI alpha 2 chain; minus strand). Cytogenetic location: 6p21.32.
Variant type: single nucleotide variant.
Coding change: c.218G>A on transcript NM_080680.3 (MANE Select); coding-DNA position 218, G replaced by A.
Protein change: p.Arg73His; replaces arginine 73 with histidine.
Molecular consequence: missense variant.
Genome position (GRCh38, 1-based): chr6:33,189,334, C>T on the plus strand (G>A on the coding strand, the complement: COL11A2 is on the minus strand). VCF-style: chr6-33189334-C-T. GRCh37 (hg19) VCF-style: chr6-33157111-C-T.
Other names: c.218G>A, p.Arg73His (NM_001163771.2, NM_080679.3, NM_080681.3); short protein forms R73H.
Identifiers: ClinVar variation 2165070 (VCV002165070.2), dbSNP rs780662619, ClinGen allele CA3751739.
Genomic context (GRCh38, chr6:33,189,334, plus strand): 5'-CATCCCATTACCTCCCCCCAGGCCTACCCCACCATGTCACCCATACCTGGGAAAAGCTGG[C>T]GAGTGGGTGCACTGAGCTGGGCAGGTCGTGCCACTCGGTAGGCCACATCAGCTGGACAGA-3'
Protein context (NP_542411.2, residues 63-83): ARPAQLSAPT[Arg73His]QLFPGGFPKD